The following is an entry in ClinVar:

ClinVar aggregate classification (germline): Pathogenic/Likely pathogenic. Review status: criteria provided, multiple submitters, no conflicts (2 of 4 stars). 8 submissions from 8 submitters: Pathogenic (6); Likely pathogenic (2). Last evaluated 2025-10-01.

Conditions:
ETFDH-related disorder. Also called: ETFDH-related condition.
Glutaric acidemia type 2C.
Multiple acyl-CoA dehydrogenase deficiency (MADD). Also called: Glutaric acidemia type II; GA 2; Glutaric aciduria, type 2; ETHYLMALONIC-ADIPICACIDURIA; GA II; Glutaric Acidemia type 2. Identifiers: Orphanet 26791, MedGen C0268596, MONDO:0009282, OMIM 231680.

Allele frequency attached by ClinVar (database versions not stated): ExAC 0.00002; gnomAD exomes 0.00002; TOPMed 0.00003; gnomAD 0.00004 and 0.00005; 1000 Genomes Project 30x 0.00016; 1000 Genomes Project 0.00020.
gnomAD v4.1: 56 of 1,610,918 alleles (0.0035%); highest among the groups gnomAD compares: Non-Finnish European, 0.0044%; no homozygotes.

Submissions (8):

Labcorp Genetics (formerly Invitae), Labcorp
Classification: Pathogenic for Multiple acyl-CoA dehydrogenase deficiency. Last evaluated: 2025-10-01. Review status: criteria provided, single submitter. Criteria: Invitae Variant Classification Sherloc (09022015). Collection method: clinical testing. Allele origin: germline.
Comment: This sequence change replaces valine, which is neutral and non-polar, with leucine, which is neutral and non-polar, at codon 451 of the ETFDH protein (p.Val451Leu). This variant is present in population databases (rs558005496, gnomAD 0.004%). This missense change has been observed in individual(s) with glutaric aciduria type 2 (PMID: 17584774; internal data). In at least one individual the data is consistent with being in trans (on the opposite chromosome) from a pathogenic variant. This variant is also known as 1168G>C (p.V390L). ClinVar contains an entry for this variant (Variation ID: 203722). Invitae Evidence Modeling of protein sequence and biophysical properties (such as structural, functional, and spatial information, amino acid conservation, physicochemical variation, residue mobility, and thermodynamic stability) indicates that this missense variant is expected to disrupt ETFDH protein function with a positive predictive value of 80%. Experimental studies have shown that this missense change affects ETFDH function (PMID: 23727839). For these reasons, this variant has been classified as Pathogenic.

Natera, Inc.
Classification: Likely pathogenic for Glutaric acidemia type 2C. Last evaluated: 2025-09-10. Review status: criteria provided, single submitter. Criteria: Natera Variant Classification Schema (03/2026). Collection method: clinical testing. Allele origin: germline.
Comment: The c.1351G>C variant in ETFDH is a missense variant predicted to cause substitution of valine to leucine at amino acid 451. This variant is rare in the general population with a frequency below the threshold expected for the associated phenotype(s). This variant has been observed in one or more individuals affected with the associated recessive disease, as either homozygous or compound heterozygous with a second variant (PMID: 17584774, 38243131). Functional studies show that this variant may disrupt protein function (PMID: 38243131). Computational prediction algorithms indicate this variant is likely to affect gene or protein function. Given the available evidence, this variant is classified as Likely Pathogenic.

Variantyx, Inc.
Classification: Pathogenic for Multiple acyl-CoA dehydrogenase deficiency. Last evaluated: 2025-03-05. Review status: criteria provided, single submitter. Criteria: Variantyx Assertion Criteria 2022. Collection method: clinical testing. Allele origin: germline. Inheritance: Autosomal recessive inheritance. Affected: no.
Comment: This is a nonsynonymous variant in the ETFDH gene (OMIM: 231675). Pathogenic variants in this gene have been associated with autosomal recessive glutaric acidemia IIC. This variant has been identified in the homozygous or compound heterozygous state in one or more of the following: the current proband, at least 3 individuals reported in the published literature (PMID: 17584774, 31268564, 26990548), or previous internal cases (PM3_Strong). Functional studies have shown that this variant alters ETFDH protein function (PMID: 23727839 ) (PS3_Moderate), and multiple computational algorithms predict a deleterious effect for this variant (REVEL score: 0.78) (PP3). It lies within a known hotspot for pathogenic variants or a well-established critical functional domain of the ETFDH protein (PM1). This variant has a 0.0044% maximum allele frequency in non-founder control populations (PM2). Based on the current evidence, this variant is classified as pathogenic for autosomal recessive glutaric acidemia IIC.

Baylor Genetics
Classification: Pathogenic for Multiple acyl-CoA dehydrogenase deficiency. Last evaluated: 2024-03-25. Review status: criteria provided, single submitter. Criteria: ACMG Guidelines, 2015. Collection method: clinical testing. Allele origin: unknown.

Mayo Clinic Laboratories, Mayo Clinic
Classification: Pathogenic. Last evaluated: 2024-01-24. Review status: criteria provided, single submitter. Criteria: ACMG Guidelines, 2015. Collection method: clinical testing. Allele origin: germline. Observed: 1 variant allele.
Comment: PP3, PP4, PM2, PM3_strong, PS3, PS4_moderate

Blueprint Genetics
Classification: Likely pathogenic for ETFDH-related disorders. Last evaluated: 2023-12-12. Review status: criteria provided, single submitter. Criteria: ACMG Guidelines, 2015. Collection method: clinical testing. Allele origin: germline. Affected: yes. Observed: 3 variant alleles.

Women's Health and Genetics/Laboratory Corporation of America, LabCorp
Classification: Pathogenic for Multiple acyl-CoA dehydrogenase deficiency. Last evaluated: 2023-08-16. Review status: criteria provided, single submitter. Criteria: LabCorp Variant Classification Summary - May 2015. Collection method: clinical testing. Allele origin: germline.
Comment: Variant summary: ETFDH c.1351G>C (p.Val451Leu) results in a conservative amino acid change in the encoded protein sequence. Three of five in-silico tools predict a damaging effect of the variant on protein function. The variant allele was found at a frequency of 2e-05 in 251352 control chromosomes (gnomAD). c.1351G>C has been reported in the literature in multiple homozygous- and compound heterozygous individuals affected with Glutaric Aciduria, Type 2c (e.g. Olsen_2007, van Rijt_2019), where in at least one compound heterozygous individual the variant was in trans with a pathogenic variant. These data indicate that the variant is very likely to be associated with disease. At least one publication reported experimental evidence, and demonstrated in patient derived fibroblasts that the variant resulted in decreased protein levels, with increased mitochondrial reactive oxygen species (ROS) production, and treatment with CoQ10 (but not with riboflavin), could decrease the level of ROS in the patient cells (Cornelius_2013); these results were also corroborated in an in vitro bacterial expression system, by demonstrating decreased CoQ10 binding for the variant protein (Cornelius_2013). The following publications have been ascertained in the context of this evaluation (PMID: 17584774, 31268564, 23727839). Three submitters have cited clinical-significance assessments for this variant to ClinVar after 2014. All submitters classified the variant as pathogenic. Based on the evidence outlined above, the variant was classified as pathogenic.

Revvity Omics, Revvity
Classification: Pathogenic for Multiple acyl-CoA dehydrogenase deficiency. Last evaluated: 2022-03-29. Review status: criteria provided, single submitter. Criteria: ACMG Guidelines, 2015. Collection method: clinical testing. Allele origin: germline.

Literature cited by the submitters: PubMed 17584774 (cited by 5 submitters); PubMed 23727839 (cited by 4 submitters); PubMed 38243131 (cited by Natera, Inc.); PubMed 31268564 (cited by 3 submitters); PubMed 26990548 (cited by Variantyx, Inc. and Mayo Clinic Laboratories, Mayo Clinic).

NM_004453.4(ETFDH):c.1351G>C (p.Val451Leu)

Gene: ETFDH (electron transfer flavoprotein dehydrogenase; plus strand). Cytogenetic location: 4q32.1.
Variant type: single nucleotide variant.
Coding change: c.1351G>C on transcript NM_004453.4 (MANE Select); coding-DNA position 1351, G replaced by C.
Protein change: p.Val451Leu; replaces valine 451 with leucine.
Molecular consequence: missense variant.
Genome position (GRCh38, 1-based): chr4:158,706,254, G>C. VCF-style: chr4-158706254-G-C. GRCh37 (hg19) VCF-style: chr4-159627406-G-C.
Other names: p.Val451Leu; c.1210G>C, p.Val404Leu (NM_001281737.2); c.1168G>C, p.Val390Leu (NM_001281738.1); short protein forms V451L, V404L, V390L.
Identifiers: ClinVar variation 203722 (VCV000203722.18), dbSNP rs558005496, ClinGen allele CA312543.